The following is an entry in ClinVar:

ClinVar aggregate classification (germline): Uncertain significance (1 of 4 stars; one submission).

Allele frequency attached by ClinVar (database versions not stated): gnomAD 0.00001; TOPMed 0.00001.
gnomAD v4.1: 27 of 1,535,688 alleles (0.0018%); highest among the groups gnomAD compares: Non-Finnish European, 0.0022%; no homozygotes.

Submission:

Labcorp Genetics (formerly Invitae), Labcorp
Classification: Uncertain significance. Last evaluated: 2022-07-16. Review status: criteria provided, single submitter. Criteria: Invitae Variant Classification Sherloc (09022015). Collection method: clinical testing. Allele origin: germline.
Comment: This sequence change replaces arginine, which is basic and polar, with cysteine, which is neutral and slightly polar, at codon 414 of the FAM20C protein (p.Arg414Cys). This variant is present in population databases (no rsID available, gnomAD 0.006%). This variant has not been reported in the literature in individuals affected with FAM20C-related conditions. Algorithms developed to predict the effect of missense changes on protein structure and function are either unavailable or do not agree on the potential impact of this missense change (SIFT: "Deleterious"; PolyPhen-2: "Probably Damaging"; Align-GVGD: "Class C15"). In summary, the available evidence is currently insufficient to determine the role of this variant in disease. Therefore, it has been classified as a Variant of Uncertain Significance.

NM_020223.4(FAM20C):c.1240C>T (p.Arg414Cys)

Gene: FAM20C (FAM20C golgi associated secretory pathway kinase; plus strand). Cytogenetic location: 7p22.3.
Variant type: single nucleotide variant.
Coding change: c.1240C>T on transcript NM_020223.4 (MANE Select); coding-DNA position 1240, C replaced by T.
Protein change: p.Arg414Cys; replaces arginine 414 with cysteine.
Molecular consequence: missense variant.
Genome position (GRCh38, 1-based): chr7:256,016, C>T. VCF-style: chr7-256016-C-T. GRCh37 (hg19) VCF-style: chr7-295982-C-T.
Other names: short protein forms R414C.
Identifiers: ClinVar variation 2428374 (VCV002428374.2), dbSNP rs1211828705, ClinGen allele CA366525411.